The following is an entry in ClinVar:

ClinVar aggregate classification (germline): Uncertain significance (1 of 4 stars; one submission).

Conditions:
Inborn genetic diseases. Identifiers: MedGen C0950123, MeSH D030342.

gnomAD v4.1: 1 of 1,614,160 alleles (0.000062%); highest among the groups gnomAD compares: South Asian, 0.0011%; no homozygotes.

Submission:

Ambry Genetics
Classification: Uncertain significance for Inborn genetic diseases. Last evaluated: 2025-06-21. Review status: criteria provided, single submitter. Criteria: Ambry Variant Classification Scheme 2023. Collection method: clinical testing. Allele origin: germline.
Comment: The p.F132V variant (also known as c.394T>G), located in coding exon 1 of the FANCM gene, results from a T to G substitution at nucleotide position 394. The phenylalanine at codon 132 is replaced by valine, an amino acid with highly similar properties. This amino acid position is conserved. In addition, this alteration is predicted to be tolerated by in silico analysis. Based on the available evidence, the clinical significance of this variant remains unclear.

NM_020937.4(FANCM):c.394T>G (p.Phe132Val)

Gene: FANCM (FA complementation group M; plus strand). Cytogenetic location: 14q21.2.
Variant type: single nucleotide variant.
Coding change: c.394T>G on transcript NM_020937.4 (MANE Select); coding-DNA position 394, T replaced by G.
Protein change: p.Phe132Val; replaces phenylalanine 132 with valine.
Molecular consequence: missense variant.
Genome position (GRCh38, 1-based): chr14:45,136,425, T>G. VCF-style: chr14-45136425-T-G. GRCh37 (hg19) VCF-style: chr14-45605628-T-G.
Other names: c.394T>G, p.Phe132Val (NM_001308133.2, NM_001308134.2); short protein forms F132V.
Identifiers: ClinVar variation 4254530 (VCV004254530.1).